The following is an entry in ClinVar:

ClinVar aggregate classification (germline): Uncertain significance (1 of 4 stars; one submission).

Conditions:
Tumor predisposition syndrome 3 (TPDS3). Also called: Melanoma, cutaneous malignant, susceptibility to, 10; Glioma susceptibility 9; LONG TELOMERE SYNDROME, POT1-RELATED; POT1 Tumor Predisposition. Identifiers: Orphanet 618, MedGen C4014476, MONDO:0014368, OMIM 615848.

Submission:

Labcorp Genetics (formerly Invitae), Labcorp
Classification: Uncertain significance for Tumor predisposition syndrome 3. Last evaluated: 2022-03-10. Review status: criteria provided, single submitter. Criteria: Invitae Variant Classification Sherloc (09022015). Collection method: clinical testing. Allele origin: germline.
Comment: This variant has not been reported in the literature in individuals affected with POT1-related conditions. In summary, the available evidence is currently insufficient to determine the role of this variant in disease. Therefore, it has been classified as a Variant of Uncertain Significance. Algorithms developed to predict the effect of missense changes on protein structure and function (SIFT, PolyPhen-2, Align-GVGD) all suggest that this variant is likely to be tolerated. This variant is not present in population databases (gnomAD no frequency). This sequence change replaces glycine, which is neutral and non-polar, with valine, which is neutral and non-polar, at codon 479 of the POT1 protein (p.Gly479Val).

NM_015450.3(POT1):c.1436G>T (p.Gly479Val)

Gene: POT1 (protection of telomeres 1; minus strand). Cytogenetic location: 7q31.33.
Variant type: single nucleotide variant.
Coding change: c.1436G>T on transcript NM_015450.3 (MANE Select); coding-DNA position 1436, G replaced by T.
Protein change: p.Gly479Val; replaces glycine 479 with valine.
Molecular consequence: missense variant. On other transcripts: non-coding transcript variant (3).
Genome position (GRCh38, 1-based): chr7:124,835,348, C>A on the plus strand (G>T on the coding strand, the complement: POT1 is on the minus strand). VCF-style: chr7-124835348-C-A. GRCh37 (hg19) VCF-style: chr7-124475402-C-A.
Other names: c.1043G>T, p.Gly348Val (NM_001042594.2); short protein forms G479V, G348V.
Identifiers: ClinVar variation 2108363 (VCV002108363.4), dbSNP rs1794873101, ClinGen allele CA369065718.